The following is an entry in ClinVar:

NM_000214.3(JAG1):c.974_975del (p.Pro325fs)

Gene: JAG1 (jagged canonical Notch ligand 1; minus strand). Cytogenetic location: 20p12.2.
Variant type: Deletion.
Coding change: c.974_975del on transcript NM_000214.3 (MANE Select); coding-DNA positions 974 to 975, 2 bases deleted (CT; older notation c.974_975delCT).
Protein change: p.Pro325fs; shifts the reading frame from proline 325.
Molecular consequence: frameshift variant.
Genome position (GRCh38, 1-based): chr20:10,652,162-10,652,163, AG deleted on the plus strand (CT on the coding strand, the reverse complement: JAG1 is on the minus strand). VCF-style (leftmost placement, unchanged base first): chr20-10652161-CAG-C. GRCh37 (hg19) VCF-style: chr20-10632809-CAG-C.
Other names: c.974_975del, p.Pro325fs (LRG_1191t1); short protein forms P325fs.
Identifiers: ClinVar variation 213555 (VCV000213555.1), dbSNP rs863223669, ClinGen allele CA321758.

ClinVar aggregate classification (germline): Pathogenic (1 of 4 stars; one submission).

Submission:

GeneDx
Classification: Pathogenic. Last evaluated: 2014-03-27. Review status: criteria provided, single submitter. Criteria: GeneDx Variant Classification (06012015). Collection method: clinical testing. Allele origin: germline. Affected: yes.
Comment: The c.974_975delCT mutation in the JAG1 gene causes a frameshift starting with codon Proline 325, changes this amino acid to an Arginine residue and creates a premature Stop codon at position 9 of the new reading frame, denoted p.Pro325ArgfsX9. This mutation is predicted to cause loss of normal protein function either through protein truncation or nonsense-mediated mRNA decay. Although this mutation has not been previously reported to our knowledge, its presence is consistent with a diagnosis of Alagille syndrome. This variant was found in JAG1